The following is an entry in ClinVar:

NM_001322934.2(NFKB2):c.1225G>T (p.Ala409Ser)

Genes: NFKB2 (nuclear factor kappa B subunit 2; plus strand), LOC130004599 (ATAC-STARR-seq lymphoblastoid silent region 2756; plus strand). Cytogenetic location: 10q24.32.
Variant type: single nucleotide variant.
Coding change: c.1225G>T on transcript NM_001322934.2 (MANE Select); coding-DNA position 1225, G replaced by T.
Protein change: p.Ala409Ser; replaces alanine 409 with serine.
Molecular consequence: missense variant.
Genome position (GRCh38, 1-based): chr10:102,399,395, G>T. VCF-style: chr10-102399395-G-T. GRCh37 (hg19) VCF-style: chr10-104159152-G-T.
Other names: c.1225G>T, p.Ala409Ser (NM_001077493.1, NM_001077494.3, NM_001261403.3 and 2 more transcripts); c.1099G>T, p.Ala367Ser (NM_001322935.1); short protein forms A367S, A409S.
Identifiers: ClinVar variation 2820698 (VCV002820698.3), dbSNP rs1428255171, ClinGen allele CA377899009.

ClinVar aggregate classification (germline): Uncertain significance (1 of 4 stars; one submission).

Conditions:
Immunodeficiency, common variable, 10. Also called: DEFICIT IN ANTERIOR PITUITARY FUNCTION AND VARIABLE IMMUNODEFICIENCY; IMMUNODEFICIENCY, COMMON VARIABLE, WITH CENTRAL ADRENAL INSUFFICIENCY. Identifiers: MedGen C3809991, MONDO:0014260, OMIM 615577.

Submission:

Labcorp Genetics (formerly Invitae), Labcorp
Classification: Uncertain significance for Immunodeficiency, common variable, 10. Last evaluated: 2022-12-14. Review status: criteria provided, single submitter. Criteria: Invitae Variant Classification Sherloc (09022015). Collection method: clinical testing. Allele origin: germline.
Comment: This sequence change replaces alanine, which is neutral and non-polar, with serine, which is neutral and polar, at codon 409 of the NFKB2 protein (p.Ala409Ser). This variant is not present in population databases (gnomAD no frequency). This variant has not been reported in the literature in individuals affected with NFKB2-related conditions. Algorithms developed to predict the effect of missense changes on protein structure and function output the following: SIFT: "Tolerated"; PolyPhen-2: "Benign"; Align-GVGD: "Class C0". The serine amino acid residue is found in multiple mammalian species, which suggests that this missense change does not adversely affect protein function. In summary, the available evidence is currently insufficient to determine the role of this variant in disease. Therefore, it has been classified as a Variant of Uncertain Significance.